The following is an entry in ClinVar:

NM_004006.3(DMD):c.831G>C (p.Gln277His)

Gene: DMD (dystrophin; minus strand). Cytogenetic location: Xp21.1.
Variant type: single nucleotide variant.
Coding change: c.831G>C on transcript NM_004006.3 (MANE Select); coding-DNA position 831, G replaced by C.
Protein change: p.Gln277His; replaces glutamine 277 with histidine.
Molecular consequence: missense variant.
Genome position (GRCh38, 1-based): chrX:32,699,112, C>G on the plus strand (G>C on the coding strand, the complement: DMD is on the minus strand). VCF-style: chrX-32699112-C-G. GRCh37 (hg19) VCF-style: chrX-32717229-C-G.
Other names: c.831G>C (NM_004006.2); c.807G>C, p.Gln269His (NM_000109.4); c.819G>C, p.Gln273His (NM_004009.3); c.462G>C, p.Gln154His (NM_004010.3); short protein forms Q154H, Q269H, Q273H, Q277H.
Identifiers: ClinVar variation 1067707 (VCV001067707.10), dbSNP rs398124067, ClinGen allele CA412668779.

ClinVar aggregate classification (germline): Likely pathogenic. Review status: criteria provided, multiple submitters, no conflicts (2 of 4 stars). 2 submissions from 2 submitters: Likely pathogenic (2). Last evaluated 2024-10-30.

Conditions:
Duchenne muscular dystrophy (DMD). Also called: MUSCULAR DYSTROPHY, PSEUDOHYPERTROPHIC PROGRESSIVE, DUCHENNE TYPE; Duchenne Muscular Dystrophy (DMD). Identifiers: Orphanet 98896, MedGen C0013264, MONDO:0010679, OMIM 310200.

Submissions (2):

Labcorp Genetics (formerly Invitae), Labcorp
Classification: Likely pathogenic for Duchenne muscular dystrophy. Last evaluated: 2024-10-30. Review status: criteria provided, single submitter. Criteria: Invitae Variant Classification Sherloc (09022015). Collection method: clinical testing. Allele origin: germline.
Comment: This sequence change replaces glutamine, which is neutral and polar, with histidine, which is basic and polar, at codon 277 of the DMD protein (p.Gln277His). This variant also falls at the last nucleotide of exon 8, which is part of the consensus splice site for this exon. This variant is not present in population databases (gnomAD no frequency). This missense change has been observed in individuals with clinical features of DMD-related conditions (PMID: 21520333, 30833962; internal data). ClinVar contains an entry for this variant (Variation ID: 1067707). An algorithm developed to predict the effect of missense changes on protein structure and function (PolyPhen-2) suggests that this variant is likely to be disruptive. Variants that disrupt the consensus splice site are a relatively common cause of aberrant splicing (PMID: 17576681, 9536098). Algorithms developed to predict the effect of sequence changes on RNA splicing suggest that this variant may disrupt the consensus splice site. In summary, the currently available evidence indicates that the variant is pathogenic, but additional data are needed to prove that conclusively. Therefore, this variant has been classified as Likely Pathogenic.

Revvity Omics, Revvity
Classification: Likely pathogenic. Last evaluated: 2024-04-04. Review status: criteria provided, single submitter. Criteria: ACMG Guidelines, 2015. Collection method: clinical testing. Allele origin: germline.

Literature cited by the submitters: PubMed 21520333 (cited by Labcorp Genetics (formerly Invitae), Labcorp); PubMed 30833962 (cited by Labcorp Genetics (formerly Invitae), Labcorp); PubMed 17576681 (cited by Labcorp Genetics (formerly Invitae), Labcorp); PubMed 9536098 (cited by Labcorp Genetics (formerly Invitae), Labcorp).